The following is an entry in ClinVar:

NM_000188.3(HK1):c.1114C>A (p.Gln372Lys)

Gene: HK1 (hexokinase 1; plus strand). Cytogenetic location: 10q22.1.
Variant type: single nucleotide variant.
Coding change: c.1114C>A on transcript NM_000188.3 (MANE Select); coding-DNA position 1114, C replaced by A.
Protein change: p.Gln372Lys; replaces glutamine 372 with lysine.
Molecular consequence: missense variant. On other transcripts: non-coding transcript variant (2), intron variant (1).
Genome position (GRCh38, 1-based): chr10:69,379,944, C>A. VCF-style: chr10-69379944-C-A. GRCh37 (hg19) VCF-style: chr10-71139700-C-A.
Other names: c.1126C>A, p.Gln376Lys (NM_001322364.2, NM_001358263.1, NM_033497.3 and 1 more transcripts); c.1219C>A, p.Gln407Lys (NM_001322365.2); c.1030C>A, p.Gln344Lys (NM_001322366.1, NM_001441143.1); c.1018C>A, p.Gln340Lys (NM_001322367.1); c.1114C>A, p.Gln372Lys (NM_001441139.1, NM_001441141.1, NM_001441145.1 and 2 more transcripts); c.1105C>A, p.Gln369Lys (NM_001441140.1); c.1072C>A, p.Gln358Lys (NM_001441142.1); c.994C>A, p.Gln332Lys (NM_001441144.1); and 8 more; short protein forms Q298K, Q358K, Q360K, Q134K, Q159K, Q332K, Q344K, Q369K.
Identifiers: ClinVar variation 4714289 (VCV004714289.1).

ClinVar aggregate classification (germline): Uncertain significance (1 of 4 stars; one submission).

gnomAD v4.1: 5 of 1,614,088 alleles (0.00031%); highest among the groups gnomAD compares: African/African-American, 0.0053%; no homozygotes.

Submission:

Labcorp Genetics (formerly Invitae), Labcorp
Classification: Uncertain significance. Last evaluated: 2025-08-27. Review status: criteria provided, single submitter. Criteria: Invitae Variant Classification Sherloc (09022015). Collection method: clinical testing. Allele origin: germline.
Comment: This sequence change replaces glutamine, which is neutral and polar, with lysine, which is basic and polar, at codon 372 of the HK1 protein (p.Gln372Lys). This variant is present in population databases (no rsID available, gnomAD 0.01%). This variant has not been reported in the literature in individuals affected with HK1-related conditions. Invitae Evidence Modeling of protein sequence and biophysical properties (such as structural, functional, and spatial information, amino acid conservation, physicochemical variation, residue mobility, and thermodynamic stability) indicates that this missense variant is not expected to disrupt HK1 protein function with a negative predictive value of 80%. In summary, the available evidence is currently insufficient to determine the role of this variant in disease. Therefore, it has been classified as a Variant of Uncertain Significance.